The following is an entry in ClinVar:

NM_002470.4(MYH3):c.5722G>C (p.Glu1908Gln)

Gene: MYH3 (myosin heavy chain 3; minus strand). Cytogenetic location: 17p13.1.
Variant type: single nucleotide variant.
Coding change: c.5722G>C on transcript NM_002470.4 (MANE Select); coding-DNA position 5722, G replaced by C.
Protein change: p.Glu1908Gln; replaces glutamic acid 1908 with glutamine.
Molecular consequence: missense variant.
Genome position (GRCh38, 1-based): chr17:10,629,671, C>G on the plus strand (G>C on the coding strand, the complement: MYH3 is on the minus strand). VCF-style: chr17-10629671-C-G. GRCh37 (hg19) VCF-style: chr17-10532988-C-G.
Other names: short protein forms E1908Q.
Identifiers: ClinVar variation 2560240 (VCV002560240.5), dbSNP rs369612990, ClinGen allele CA398129661.

ClinVar aggregate classification (germline): Uncertain significance. Review status: criteria provided, multiple submitters, no conflicts (2 of 4 stars). 2 submissions from 2 submitters: Uncertain significance (2). Last evaluated 2025-08-20.

Conditions:
Inborn genetic diseases. Identifiers: MedGen C0950123, MeSH D030342.

Submissions (2):

Labcorp Genetics (formerly Invitae), Labcorp
Classification: Uncertain significance. Last evaluated: 2025-08-20. Review status: criteria provided, single submitter. Criteria: Invitae Variant Classification Sherloc (09022015). Collection method: clinical testing. Allele origin: germline.
Comment: This sequence change replaces glutamic acid, which is acidic and polar, with glutamine, which is neutral and polar, at codon 1908 of the MYH3 protein (p.Glu1908Gln). This variant is not present in population databases (gnomAD no frequency). This variant has not been reported in the literature in individuals affected with MYH3-related conditions. ClinVar contains an entry for this variant (Variation ID: 2560240). Invitae Evidence Modeling of protein sequence and biophysical properties (such as structural, functional, and spatial information, amino acid conservation, physicochemical variation, residue mobility, and thermodynamic stability) indicates that this missense variant is not expected to disrupt MYH3 protein function with a negative predictive value of 95%. In summary, the available evidence is currently insufficient to determine the role of this variant in disease. Therefore, it has been classified as a Variant of Uncertain Significance.

Ambry Genetics
Classification: Uncertain significance for Inborn genetic diseases. Last evaluated: 2023-06-14. Review status: criteria provided, single submitter. Criteria: Ambry Variant Classification Scheme 2023. Collection method: clinical testing. Allele origin: germline.